The following is an entry in ClinVar:

NM_018127.7(ELAC2):c.2011G>A (p.Glu671Lys)

Gene: ELAC2 (elaC ribonuclease Z 2; minus strand). Cytogenetic location: 17p12.
Variant type: single nucleotide variant.
Coding change: c.2011G>A on transcript NM_018127.7 (MANE Select); coding-DNA position 2011, G replaced by A.
Protein change: p.Glu671Lys; replaces glutamic acid 671 with lysine.
Molecular consequence: missense variant.
Genome position (GRCh38, 1-based): chr17:12,994,782, C>T on the plus strand (G>A on the coding strand, the complement: ELAC2 is on the minus strand). VCF-style: chr17-12994782-C-T. GRCh37 (hg19) VCF-style: chr17-12898099-C-T.
Other names: c.1891G>A, p.Glu631Lys (NM_001165962.2); c.2008G>A, p.Glu670Lys (NM_173717.2); short protein forms E631K, E671K, E670K.
Identifiers: ClinVar variation 965536 (VCV000965536.4), dbSNP rs754567726, ClinGen allele CA8400979.

ClinVar aggregate classification (germline): Uncertain significance (1 of 4 stars; one submission).

Conditions:
Combined oxidative phosphorylation defect type 17. Also called: Combined oxidative phosphorylation deficiency 17. Identifiers: Orphanet 369913, MedGen C3809526, MONDO:0014190, OMIM 615440.

Allele frequency attached by ClinVar (database versions not stated): gnomAD 0.00001; ExAC 0.00002; gnomAD exomes 0.00002; TOPMed 0.00002.
gnomAD v4.1: 24 of 1,613,848 alleles (0.0015%); highest among the groups gnomAD compares: East Asian, 0.0089%; no homozygotes.

Submission:

Labcorp Genetics (formerly Invitae), Labcorp
Classification: Uncertain significance for Combined oxidative phosphorylation defect type 17. Last evaluated: 2022-07-05. Review status: criteria provided, single submitter. Criteria: Invitae Variant Classification Sherloc (09022015). Collection method: clinical testing. Allele origin: germline.
Comment: This sequence change replaces glutamic acid, which is acidic and polar, with lysine, which is basic and polar, at codon 671 of the ELAC2 protein (p.Glu671Lys). This variant is present in population databases (rs754567726, gnomAD 0.01%). This variant has not been reported in the literature in individuals affected with ELAC2-related conditions. ClinVar contains an entry for this variant (Variation ID: 965536). Algorithms developed to predict the effect of missense changes on protein structure and function (SIFT, PolyPhen-2, Align-GVGD) all suggest that this variant is likely to be tolerated. In summary, the available evidence is currently insufficient to determine the role of this variant in disease. Therefore, it has been classified as a Variant of Uncertain Significance.